The following is an entry in ClinVar:

ClinVar aggregate classification (germline): Uncertain significance. Review status: criteria provided, multiple submitters, no conflicts (2 of 4 stars). 2 submissions from 2 submitters: Uncertain significance (2). Last evaluated 2025-08-27.

Conditions:
Cardiovascular phenotype. Identifiers: MedGen CN230736.
Progressive familial heart block type IB (PFHB1B). Identifiers: Orphanet 871, MedGen C1970298, MONDO:0011474, OMIM 604559.

Allele frequency attached by ClinVar (database versions not stated): gnomAD exomes 0.00003; gnomAD 0.00005; TOPMed 0.00002; ExAC 0.00003.
gnomAD v4.1: 52 of 1,612,070 alleles (0.0032%); highest among the groups gnomAD compares: Non-Finnish European, 0.0041%; no homozygotes.

Submissions (2):

Ambry Genetics
Classification: Uncertain significance for Cardiovascular phenotype. Last evaluated: 2025-08-27. Review status: criteria provided, single submitter. Criteria: Ambry Variant Classification Scheme 2023. Collection method: clinical testing. Allele origin: germline.

Labcorp Genetics (formerly Invitae), Labcorp
Classification: Uncertain significance for Progressive familial heart block type IB. Last evaluated: 2025-06-09. Review status: criteria provided, single submitter. Criteria: Invitae Variant Classification Sherloc (09022015). Collection method: clinical testing. Allele origin: germline.
Comment: This sequence change replaces glutamic acid, which is acidic and polar, with lysine, which is basic and polar, at codon 246 of the TRPM4 protein (p.Glu246Lys). The frequency data for this variant in the population databases is considered unreliable, as metrics indicate poor data quality at this position in the gnomAD database. This variant has not been reported in the literature in individuals affected with TRPM4-related conditions. ClinVar contains an entry for this variant (Variation ID: 1758555). An algorithm developed to predict the effect of missense changes on protein structure and function (PolyPhen-2) suggests that this variant is likely to be disruptive. In summary, the available evidence is currently insufficient to determine the role of this variant in disease. Therefore, it has been classified as a Variant of Uncertain Significance.

NM_017636.4(TRPM4):c.736G>A (p.Glu246Lys)

Gene: TRPM4 (transient receptor potential cation channel subfamily M member 4; plus strand). Cytogenetic location: 19q13.33.
Variant type: single nucleotide variant.
Coding change: c.736G>A on transcript NM_017636.4 (MANE Select); coding-DNA position 736, G replaced by A.
Protein change: p.Glu246Lys; replaces glutamic acid 246 with lysine.
Molecular consequence: missense variant. On other transcripts: 5 prime UTR variant (2).
Genome position (GRCh38, 1-based): chr19:49,168,676, G>A. VCF-style: chr19-49168676-G-A. GRCh37 (hg19) VCF-style: chr19-49671933-G-A.
Other names: c.736G>A, p.Glu246Lys (NM_001195227.2); c.391G>A, p.Glu131Lys (NM_001321281.2); c.-818G>A (NM_001321282.2); c.214G>A, p.Glu72Lys (NM_001321283.2); c.-114G>A (NM_001321285.2); short protein forms E246K, E131K, E72K.
Identifiers: ClinVar variation 1758555 (VCV001758555.6), dbSNP rs755300832, ClinGen allele CA9568925.
Genomic context (GRCh38, chr19:49,168,676, plus strand): 5'-GACTACAACTACTCGGCCTTCTTCCTGGTGGACGACGGCACACACGGCTGCCTGGGGGGC[G>A]AGAACCGCTTCCGCTTGCGCCTGGAGTCCTACATCTCACAGCAGAAGACGGGCGTGGGAG-3'
Protein context (NP_060106.2, residues 236-256): DDGTHGCLGG[Glu246Lys]NRFRLRLESY